The following is an entry in ClinVar:

NM_002485.5(NBN):c.1351C>G (p.Gln451Glu)

Gene: NBN (nibrin; minus strand). Cytogenetic location: 8q21.3.
Variant type: single nucleotide variant.
Coding change: c.1351C>G on transcript NM_002485.5 (MANE Select); coding-DNA position 1351, C replaced by G.
Protein change: p.Gln451Glu; replaces glutamine 451 with glutamic acid.
Molecular consequence: missense variant.
Genome position (GRCh38, 1-based): chr8:89,955,329, G>C on the plus strand (C>G on the coding strand, the complement: NBN is on the minus strand). VCF-style: chr8-89955329-G-C. GRCh37 (hg19) VCF-style: chr8-90967557-G-C.
Other names: c.1105C>G, p.Gln369Glu (NM_001024688.3); short protein forms Q451E, Q369E.
Identifiers: ClinVar variation 481858 (VCV000481858.23), dbSNP rs1011573169, ClinGen allele CA371656050.
Genomic context (GRCh38, chr8:89,955,329, plus strand): 5'-TATCAAAAACAGACCTTTTTTTGGTAGACGGCTGAAAGTAGTTTCTGATGGAGTTGGTCT[G>C]CTGCTGCTGAGAAGCCCTATCTTTACTTTTATTTATACTTGGCAATTTAGTTGGTGAAAG-3'
Protein context (NP_002476.2, residues 441-461): KSKDRASQQQ[Gln451Glu]TNSIRNYFQP

ClinVar aggregate classification (germline): Uncertain significance. Review status: criteria provided, multiple submitters, no conflicts (2 of 4 stars). 4 submissions from 4 submitters: Uncertain significance (4). Last evaluated 2025-12-14.

Conditions:
Hereditary cancer-predisposing syndrome. Also called: Hereditary neoplastic syndrome; Neoplastic Syndromes, Hereditary; Tumor predisposition; Hereditary Cancer Syndrome. Identifiers: Orphanet 140162, MedGen C0027672, MeSH D009386, MONDO:0015356.
Microcephaly, normal intelligence and immunodeficiency (NBS). Also called: IMMUNODEFICIENCY, MICROCEPHALY, AND CHROMOSOMAL INSTABILITY; SEEMANOVA SYNDROME II; Nijmegen breakage syndrome; Microcephaly with normal intelligence immunodeficiency and lymphoreticular malignancies; Nonsyndromal microcephaly autosomal recessive with normal intelligence; Seemanova syndrome 2. Identifiers: Orphanet 647, MedGen C0398791, MONDO:0009623, OMIM 251260.

Allele frequency attached by ClinVar (database versions not stated): gnomAD 0.00001.
gnomAD v4.1: 1 of 1,613,410 alleles (0.000062%); highest among the groups gnomAD compares: Admixed American, 0.0017%; no homozygotes.

Submissions (4):

Ambry Genetics
Classification: Uncertain significance for Hereditary cancer-predisposing syndrome. Last evaluated: 2025-12-14. Review status: criteria provided, single submitter. Criteria: Ambry Variant Classification Scheme 2023. Collection method: clinical testing. Allele origin: germline.
Comment: The p.Q451E variant (also known as c.1351C>G), located in coding exon 10 of the NBN gene, results from a C to G substitution at nucleotide position 1351. The glutamine at codon 451 is replaced by glutamic acid, an amino acid with highly similar properties. This amino acid position is well conserved in available vertebrate species. In addition, this alteration is predicted to be tolerated by in silico analysis. Since supporting evidence is limited at this time, the clinical significance of this alteration remains unclear.

Labcorp Genetics (formerly Invitae), Labcorp
Classification: Uncertain significance for Microcephaly, normal intelligence and immunodeficiency. Last evaluated: 2025-11-17. Review status: criteria provided, single submitter. Criteria: Invitae Variant Classification Sherloc (09022015). Collection method: clinical testing. Allele origin: germline.
Comment: This sequence change replaces glutamine, which is neutral and polar, with glutamic acid, which is acidic and polar, at codon 451 of the NBN protein (p.Gln451Glu). This variant is not present in population databases (gnomAD no frequency). This variant has not been reported in the literature in individuals affected with NBN-related conditions. ClinVar contains an entry for this variant (Variation ID: 481858). An algorithm developed to predict the effect of missense changes on protein structure and function (PolyPhen-2) suggests that this variant is likely to be disruptive. In summary, the available evidence is currently insufficient to determine the role of this variant in disease. Therefore, it has been classified as a Variant of Uncertain Significance.

Genome-Nilou Lab
Classification: Uncertain significance for Microcephaly, normal intelligence and immunodeficiency. Last evaluated: 2021-11-07. Review status: criteria provided, single submitter. Criteria: ACMG Guidelines, 2015. Collection method: clinical testing. Allele origin: germline. Affected: no.

GeneDx
Classification: Uncertain significance. Last evaluated: 2019-09-17. Review status: criteria provided, single submitter. Criteria: GeneDx Variant Classification Process June 2021. Collection method: clinical testing. Allele origin: germline. Affected: yes.
Comment: Not observed in large population cohorts (Lek 2016); In silico analysis, which includes protein predictors and evolutionary conservation, supports that this variant does not alter protein structure/function; Has not been previously published as pathogenic or benign to our knowledge